The following is an entry in ClinVar:

NM_002168.4(IDH2):c.1304C>T (p.Thr435Met)

Gene: IDH2 (isocitrate dehydrogenase (NADP(+)) 2; minus strand). Cytogenetic location: 15q26.1.
Variant type: single nucleotide variant.
Coding change: c.1304C>T on transcript NM_002168.4 (MANE Select); coding-DNA position 1304, C replaced by T.
Protein change: p.Thr435Met; replaces threonine 435 with methionine.
Molecular consequence: missense variant.
Genome position (GRCh38, 1-based): chr15:90,084,321, G>A on the plus strand (C>T on the coding strand, the complement: IDH2 is on the minus strand). VCF-style: chr15-90084321-G-A. GRCh37 (hg19) VCF-style: chr15-90627553-G-A.
Other names: c.1148C>T, p.Thr383Met (NM_001289910.1); c.914C>T, p.Thr305Met (NM_001290114.2); short protein forms T383M, T435M, T305M.
Identifiers: ClinVar variation 158664 (VCV000158664.49), dbSNP rs118053940, ClinGen allele CA172290.

ClinVar aggregate classification (germline): Conflicting classifications of pathogenicity. Review status: criteria provided, conflicting classifications (1 of 4 stars). 9 submissions from 9 submitters: Uncertain significance (1); Benign (1); Likely benign (3). 4 of the submissions do not count toward it. Last evaluated 2026-02-01.

Conditions:
IDH2-related disorder. Also called: IDH2-related condition.
Enchondromatosis. Also called: Multiple cartilaginous enchondroses; Multiple enchondromatosis; ENCHONDROMATOSIS, MULTIPLE, OLLIER TYPE; DYSCHONDROPLASIA; Ollier disease. Identifiers: Orphanet 296, MedGen C0014084, MONDO:0008145, OMIM 166000, HP:0005701.
D-2-hydroxyglutaric aciduria 2 (D2HGA2). Identifiers: Orphanet 79315, MedGen C3150909, MONDO:0013345, OMIM 613657.

Allele frequency attached by ClinVar (database versions not stated): 1000 Genomes Project 0.00160; 1000 Genomes Project 30x 0.00172; gnomAD exomes 0.00362; gnomAD 0.00363 and 0.00372; TOPMed 0.00363; ExAC 0.00386; ESP Exome Variant Server 0.00485.
gnomAD v4.1: 10,124 of 1,614,042 alleles (0.63%); highest among the groups gnomAD compares: Non-Finnish European, 0.79%; 55 homozygotes.

Submissions (9):

CeGaT Center for Human Genetics Tuebingen
Classification: Likely benign. Last evaluated: 2026-02-01. Review status: criteria provided, single submitter. Criteria: CeGaT Center For Human Genetics Tuebingen Variant Classification Criteria Version 2. Collection method: clinical testing. Allele origin: germline. Affected: yes. Observed: 12 variant alleles.
Comment: IDH2: BP4, BS2

Labcorp Genetics (formerly Invitae), Labcorp
Classification: Benign for D-2-hydroxyglutaric aciduria 2. Last evaluated: 2026-01-26. Review status: criteria provided, single submitter. Criteria: Invitae Variant Classification Sherloc (09022015). Collection method: clinical testing. Allele origin: germline.

Genetic Services Laboratory, University of Chicago
Classification: Likely benign. Last evaluated: 2014-04-18. Review status: criteria provided, single submitter. Criteria: ACMG Guidelines, 2007. Collection method: clinical testing. Allele origin: germline. Inheritance: Autosomal dominant inheritance.

Baylor-Hopkins Center for Mendelian Genomics, Johns Hopkins University School of Medicine
Classification: Uncertain significance for Enchondromatosis. Review status: criteria provided, single submitter. Criteria: ACMG Guidelines, 2015. Collection method: research. Allele origin: paternal. Affected: yes. Observed: 1 heterozygote.

Breakthrough Genomics
Classification: Likely benign. Review status: criteria provided, single submitter. Criteria: ACMG Guidelines, 2015. Collection method: not provided. Allele origin: germline. Inheritance: Unknown mechanism. Affected: yes.

PreventionGenetics, part of Exact Sciences
Classification: Likely benign for IDH2-related condition. Last evaluated: 2020-11-29. Review status: no assertion criteria provided. Collection method: clinical testing. Allele origin: germline. Not counted in ClinVar's aggregate classification.
Comment: This variant is classified as likely benign based on ACMG/AMP sequence variant interpretation guidelines (Richards et al. 2015 PMID: 25741868, with internal and published modifications).

Mayo Clinic Laboratories, Mayo Clinic
Classification: Likely benign. Last evaluated: 2016-02-26. Review status: no assertion criteria provided. Collection method: clinical testing. Allele origin: unknown. Not counted in ClinVar's aggregate classification.

Clinical Genetics DNA and cytogenetics Diagnostics Lab, Erasmus MC, Erasmus Medical Center
Classification: Likely benign. Review status: no assertion criteria provided. Collection method: clinical testing. Allele origin: germline. Affected: yes. Study: VKGL Data-share Consensus. Not counted in ClinVar's aggregate classification.

Laboratory of Diagnostic Genome Analysis, Leiden University Medical Center (LUMC)
Classification: Likely benign. Review status: no assertion criteria provided. Collection method: clinical testing. Allele origin: germline. Affected: yes. Study: VKGL Data-share Consensus. Not counted in ClinVar's aggregate classification.